The following is an entry in ClinVar:

NM_005159.5(ACTC1):c.120G>C (p.Pro40=)

Genes: ACTC1 (actin alpha cardiac muscle 1; minus strand), GJD2-DT (GJD2 divergent transcript; plus strand). Cytogenetic location: 15q14.
Variant type: single nucleotide variant.
Coding change: c.120G>C on transcript NM_005159.5 (MANE Select); coding-DNA position 120, G replaced by C.
Protein change: p.Pro40=; no amino-acid change (proline 40 retained).
Molecular consequence: synonymous variant.
Genome position (GRCh38, 1-based): chr15:34,794,689, C>G on the plus strand (G>C on the coding strand, the complement: ACTC1 is on the minus strand). VCF-style: chr15-34794689-C-G. GRCh37 (hg19) VCF-style: chr15-35086890-C-G.
Identifiers: ClinVar variation 1597811 (VCV001597811.10), dbSNP rs766934253, ClinGen allele CA489420685.
Genomic context (GRCh38, chr15:34,794,689, plus strand): 5'-GCTGGACTGAAGGGGTCCCGAGTGGGACGGGGGGCTCGGCGGGAAGTTTACCTGGTGCCG[C>G]GGGCGGCCCACGATGGACGGGAAGACAGCGCGGGGCGCGTCATCGCCCGCAAAGCCGGCC-3'
Protein context (NP_005150.1, residues 30-50): RAVFPSIVGR[Pro40=]RHQGVMVGMG

ClinVar aggregate classification (germline): Likely benign. Review status: criteria provided, multiple submitters, no conflicts (2 of 4 stars). 3 submissions from 3 submitters: Likely benign (3). Last evaluated 2023-11-20.

Conditions:
Hypertrophic cardiomyopathy 11. Also called: ACTC1-Related Familial Hypertrophic Cardiomyopathy. Identifiers: MedGen C2677506, MONDO:0012799, OMIM 612098.
Atrial septal defect 5 (ASD5). Identifiers: Orphanet 1478, MedGen C2748552, MONDO:0013011, OMIM 612794.
Dilated cardiomyopathy 1R (CMD1R). Identifiers: Orphanet 154, Orphanet 54260, MedGen C3150681, MONDO:0013261, OMIM 613424.
Cardiomyopathy (CMYO). Also called: Cardiomyopathies. Identifiers: Orphanet 167848, MedGen C0878544, MONDO:0004994, HP:0001638. Inheritance: Various modes of inheritance.
Hypertrophic cardiomyopathy. Also called: HYPERTROPHIC MYOCARDIOPATHY. Identifiers: Orphanet 217569, MedGen C0007194, MeSH D002312, MONDO:0005045, HP:0001639.

Submissions (3):

All of Us Research Program, National Institutes of Health
Classification: Likely benign for Hypertrophic cardiomyopathy. Last evaluated: 2023-11-20. Review status: criteria provided, single submitter. Criteria: ACMG Guidelines, 2015. Collection method: clinical testing. Allele origin: germline. Inheritance: Autosomal dominant inheritance. Observed: 1 variant allele, 1 heterozygote.
Comment: This study involves interpretation of variants in research participants for the purpose of population health screening. Participant phenotype was not available at the time of variant classification. Additional details can be found in publication PMID: 35346344, PMCID: PMC8962531

Color Diagnostics, LLC DBA Color Health
Classification: Likely benign for Cardiomyopathy. Last evaluated: 2023-11-01. Review status: criteria provided, single submitter. Criteria: ACMG Guidelines, 2015. Collection method: clinical testing. Allele origin: germline.

Labcorp Genetics (formerly Invitae), Labcorp
Classification: Likely benign for Dilated cardiomyopathy 1R; Hypertrophic cardiomyopathy 11; Atrial septal defect 5. Last evaluated: 2021-04-09. Review status: criteria provided, single submitter. Criteria: Invitae Variant Classification Sherloc (09022015). Collection method: clinical testing. Allele origin: germline.